The following is an entry in ClinVar:

ClinVar aggregate classification (germline): Benign (1 of 4 stars; one submission).

Conditions:
Familial cancer of breast. Also called: hereditary breast carcinoma; Hereditary breast cancer; BREAST CANCER, FAMILIAL. Identifiers: Orphanet 227535, MedGen C0346153, MONDO:0016419, OMIM 114480. Disease mechanism: loss of function.

Submission:

Myriad Genetics, Inc.
Classification: Benign for Familial cancer of breast. Last evaluated: 2024-09-05. Review status: criteria provided, single submitter. Criteria: Myriad Autosomal Dominant, Autosomal Recessive and X-Linked Classification Criteria (2023). Collection method: clinical testing. Allele origin: unknown.
Comment: This variant is considered benign. This variant is a silent/synonymous amino acid change and it is not expected to impact splicing.

NM_032043.3(BRIP1):c.2682A>T (p.Val894=)

Gene: BRIP1 (BRCA1 interacting DNA helicase 1; minus strand). Cytogenetic location: 17q23.2.
Variant type: single nucleotide variant.
Coding change: c.2682A>T on transcript NM_032043.3 (MANE Select); coding-DNA position 2682, A replaced by T.
Protein change: p.Val894=; no amino-acid change (valine 894 retained).
Molecular consequence: synonymous variant.
Genome position (GRCh38, 1-based): chr17:61,686,059, T>A on the plus strand (A>T on the coding strand, the complement: BRIP1 is on the minus strand). VCF-style: chr17-61686059-T-A. GRCh37 (hg19) VCF-style: chr17-59763420-T-A.
Identifiers: ClinVar variation 3378906 (VCV003378906.1).